The following is an entry in ClinVar:

NM_206933.4(USH2A):c.3389T>G (p.Val1130Gly)

Genes: USH2A (usherin; minus strand), USH2A-AS1 (USH2A antisense RNA 1; plus strand). Cytogenetic location: 1q41.
Variant type: single nucleotide variant.
Coding change: c.3389T>G on transcript NM_206933.4 (MANE Select); coding-DNA position 3389, T replaced by G.
Protein change: p.Val1130Gly; replaces valine 1130 with glycine.
Molecular consequence: missense variant.
Genome position (GRCh38, 1-based): chr1:216,200,049, A>C on the plus strand (T>G on the coding strand, the complement: USH2A is on the minus strand). VCF-style: chr1-216200049-A-C. GRCh37 (hg19) VCF-style: chr1-216373391-A-C.
Other names: c.3389T>G (NM_206933.2); c.3389T>G, p.Val1130Gly (NM_007123.6); short protein forms V1130G.
Identifiers: ClinVar variation 2191740 (VCV002191740.3), dbSNP rs146442391, ClinGen allele CA1395996.

ClinVar aggregate classification (germline): Uncertain significance. Review status: criteria provided, multiple submitters, no conflicts (2 of 4 stars). 3 submissions from 3 submitters: Uncertain significance (3). Last evaluated 2025-09-22.

Conditions:
Inborn genetic diseases. Identifiers: MedGen C0950123, MeSH D030342.

Allele frequency attached by ClinVar (database versions not stated): gnomAD exomes below 0.00001; ExAC 0.00002; TOPMed 0.00004; gnomAD 0.00006; ESP Exome Variant Server 0.00008.
gnomAD v4.1: 14 of 1,613,856 alleles (0.00087%); highest among the groups gnomAD compares: African/African-American, 0.017%; no homozygotes.

Submissions (3):

Ambry Genetics
Classification: Uncertain significance for Inborn genetic diseases. Last evaluated: 2025-09-22. Review status: criteria provided, single submitter. Criteria: Ambry Variant Classification Scheme 2023. Collection method: clinical testing. Allele origin: germline.

Blueprint Genetics
Classification: Uncertain significance. Last evaluated: 2023-05-17. Review status: criteria provided, single submitter. Criteria: ACMG Guidelines, 2015. Collection method: clinical testing. Allele origin: germline.

Labcorp Genetics (formerly Invitae), Labcorp
Classification: Uncertain significance. Last evaluated: 2022-10-17. Review status: criteria provided, single submitter. Criteria: Invitae Variant Classification Sherloc (09022015). Collection method: clinical testing. Allele origin: germline.
Comment: This sequence change replaces valine, which is neutral and non-polar, with glycine, which is neutral and non-polar, at codon 1130 of the USH2A protein (p.Val1130Gly). This variant is present in population databases (rs146442391, gnomAD 0.02%). This variant has not been reported in the literature in individuals affected with USH2A-related conditions. Advanced modeling of protein sequence and biophysical properties (such as structural, functional, and spatial information, amino acid conservation, physicochemical variation, residue mobility, and thermodynamic stability) performed at Invitae indicates that this missense variant is not expected to disrupt USH2A protein function. In summary, the available evidence is currently insufficient to determine the role of this variant in disease. Therefore, it has been classified as a Variant of Uncertain Significance.